The following is an entry in ClinVar:

NM_000350.3(ABCA4):c.3263C>T (p.Pro1088Leu)

Gene: ABCA4 (ATP binding cassette subfamily A member 4; minus strand). Cytogenetic location: 1p22.1.
Variant type: single nucleotide variant.
Coding change: c.3263C>T on transcript NM_000350.3 (MANE Select); coding-DNA position 3263, C replaced by T.
Protein change: p.Pro1088Leu; replaces proline 1088 with leucine.
Molecular consequence: missense variant.
Genome position (GRCh38, 1-based): chr1:94,042,826, G>A on the plus strand (C>T on the coding strand, the complement: ABCA4 is on the minus strand). VCF-style: chr1-94042826-G-A. GRCh37 (hg19) VCF-style: chr1-94508382-G-A.
Other names: c.3041C>T, p.Pro1014Leu (NM_001425324.1); short protein forms P1088L, P1014L.
Identifiers: ClinVar variation 841961 (VCV000841961.9), dbSNP rs1660531525, ClinGen allele CA341292137.

ClinVar aggregate classification (germline): Likely pathogenic (1 of 4 stars; one submission).

Submission:

Labcorp Genetics (formerly Invitae), Labcorp
Classification: Likely pathogenic. Last evaluated: 2022-10-25. Review status: criteria provided, single submitter. Criteria: Invitae Variant Classification Sherloc (09022015). Collection method: clinical testing. Allele origin: germline.
Comment: This sequence change replaces proline, which is neutral and non-polar, with leucine, which is neutral and non-polar, at codon 1088 of the ABCA4 protein (p.Pro1088Leu). This variant is not present in population databases (gnomAD no frequency). This variant has not been reported in the literature in individuals affected with ABCA4-related conditions. ClinVar contains an entry for this variant (Variation ID: 841961). Advanced modeling of protein sequence and biophysical properties (such as structural, functional, and spatial information, amino acid conservation, physicochemical variation, residue mobility, and thermodynamic stability) performed at Invitae indicates that this missense variant is expected to disrupt ABCA4 protein function. This variant disrupts the p.Pro1088 amino acid residue in ABCA4. Other variant(s) that disrupt this residue have been determined to be pathogenic (PMID: 31543898; Invitae). This suggests that this residue is clinically significant, and that variants that disrupt this residue are likely to be disease-causing. In summary, the currently available evidence indicates that the variant is pathogenic, but additional data are needed to prove that conclusively. Therefore, this variant has been classified as Likely Pathogenic.

Literature cited by the submitters: PubMed 31543898.